The following is an entry in ClinVar:

NM_000535.7(PMS2):c.2446-16T>C

Gene: PMS2 (PMS1 homolog 2, mismatch repair system component; minus strand). Cytogenetic location: 7p22.1.
Variant type: single nucleotide variant.
Coding change: c.2446-16T>C on transcript NM_000535.7 (MANE Select); 16 bases into the intron before coding-DNA position 2446, T replaced by C.
Molecular consequence: intron variant.
Genome position (GRCh38, 1-based): chr7:5,973,558, A>G on the plus strand (T>C on the coding strand, the complement: PMS2 is on the minus strand). VCF-style: chr7-5973558-A-G. GRCh37 (hg19) VCF-style: chr7-6013189-A-G.
Other names: c.2128-16T>C (NM_001322008.2, NM_001322007.2); c.1885-16T>C (NM_001322010.2); c.2041-16T>C (NM_001322004.2, NM_001322003.2, NM_001322005.2); c.1873-16T>C (NM_001322013.2); c.1513-16T>C (NM_001322012.2, NM_001322011.2); c.2137-16T>C (NM_001322015.2); c.2290-16T>C (NM_001322006.2); c.2479-16T>C (NM_001322014.2); and 1 more.
Identifiers: ClinVar variation 2077139 (VCV002077139.5), dbSNP rs2535207021, ClinGen allele CA2578823598.

ClinVar aggregate classification (germline): Conflicting classifications of pathogenicity. Review status: criteria provided, conflicting classifications (1 of 4 stars). 2 submissions from 2 submitters: Uncertain significance (1); Likely benign (1). Last evaluated 2025-02-04.

Conditions:
Hereditary nonpolyposis colorectal neoplasms. Identifiers: MedGen C0009405, MeSH D003123.
Lynch syndrome 4 (LYNCH4). Also called: Hereditary non-polyposis colorectal cancer, type 4; Colorectal cancer, hereditary nonpolyposis, type 4. Identifiers: Orphanet 144, MedGen C1838333, MONDO:0013699, OMIM 614337. Disease mechanism: loss of function.

Allele frequency attached by ClinVar (database versions not stated): gnomAD exomes below 0.00001.
gnomAD v4.1: 1 of 494,026 alleles (0.0002%); no homozygotes.

Submissions (2):

Myriad Genetics, Inc.
Classification: Likely benign for Lynch syndrome 4. Last evaluated: 2025-02-04. Review status: criteria provided, single submitter. Criteria: Myriad Autosomal Dominant, Autosomal Recessive and X-Linked Classification Criteria (2023). Collection method: clinical testing. Allele origin: unknown.
Comment: This variant is considered likely benign. This variant is intronic and is not expected to impact mRNA splicing.

Labcorp Genetics (formerly Invitae), Labcorp
Classification: Uncertain significance for Hereditary nonpolyposis colorectal neoplasms. Last evaluated: 2024-04-03. Review status: criteria provided, single submitter. Criteria: Invitae Variant Classification Sherloc (09022015). Collection method: clinical testing. Allele origin: germline.
Comment: This sequence change falls in intron 14 of the PMS2 gene. It does not directly change the encoded amino acid sequence of the PMS2 protein. The frequency data for this variant in the population databases (gnomAD) is considered unreliable due to the presence of homologous sequence, such as pseudogenes or paralogs, in the genome. This variant has not been reported in the literature in individuals affected with PMS2-related conditions. ClinVar contains an entry for this variant (Variation ID: 2077139). Studies have shown that this variant is associated with inconclusive levels of altered splicing (Invitae). In summary, the available evidence is currently insufficient to determine the role of this variant in disease. Therefore, it has been classified as a Variant of Uncertain Significance.